The following is an entry in ClinVar:

ClinVar aggregate classification (germline): Benign (1 of 4 stars; one submission).

Allele frequency attached by ClinVar (database versions not stated): 1000 Genomes Project 0.48622; 1000 Genomes Project 30x 0.50172; TOPMed 0.59529; gnomAD 0.59556 and 0.61040.
gnomAD v4.1: 90,455 of 151,758 alleles (60%); highest among the groups gnomAD compares: African/African-American, 68%; 27,596 homozygotes.

Submission:

GeneDx
Classification: Benign. Last evaluated: 2018-06-14. Review status: criteria provided, single submitter. Criteria: GeneDx Variant Classification (06012015). Collection method: clinical testing. Allele origin: germline. Affected: yes.
Comment: This variant is considered likely benign or benign based on one or more of the following criteria: it is a conservative change, it occurs at a poorly conserved position in the protein, it is predicted to be benign by multiple in silico algorithms, and/or has population frequency not consistent with disease.

NM_025243.4(SLC19A3):c.979+213G>A

Gene: SLC19A3 (solute carrier family 19 member 3; minus strand). Cytogenetic location: 2q36.3.
Variant type: single nucleotide variant.
Coding change: c.979+213G>A on transcript NM_025243.4 (MANE Select); 213 bases into the intron after coding-DNA position 979, G replaced by A.
Molecular consequence: intron variant.
Genome position (GRCh38, 1-based): chr2:227,698,523, C>T on the plus strand (G>A on the coding strand, the complement: SLC19A3 is on the minus strand). VCF-style: chr2-227698523-C-T. GRCh37 (hg19) VCF-style: chr2-228563239-C-T.
Identifiers: ClinVar variation 683859 (VCV000683859.1), dbSNP rs7602410, ClinGen allele CA11100474.